The following is an entry in ClinVar:

NM_001366385.1(CARD14):c.1356+4C>T

Gene: CARD14 (caspase recruitment domain family member 14; plus strand). Cytogenetic location: 17q25.3.
Variant type: single nucleotide variant.
Coding change: c.1356+4C>T on transcript NM_001366385.1 (MANE Select); 4 bases into the intron after coding-DNA position 1356, C replaced by T.
Molecular consequence: intron variant.
Genome position (GRCh38, 1-based): chr17:80,192,623, C>T. VCF-style: chr17-80192623-C-T. GRCh37 (hg19) VCF-style: chr17-78166422-C-T.
Other names: c.1356+4C>T (NM_024110.4, NM_001257970.1); c.645+4C>T (NM_052819.3).
Identifiers: ClinVar variation 527885 (VCV000527885.17), dbSNP rs373428751, ClinGen allele CA8816770.

ClinVar aggregate classification (germline): Conflicting classifications of pathogenicity. Review status: criteria provided, conflicting classifications (1 of 4 stars). 5 submissions from 5 submitters: Uncertain significance (1); Likely benign (3). 1 of the submissions does not count toward it. Last evaluated 2026-08-01.

Conditions:
Pityriasis rubra pilaris (PRP). Also called: Pityriasis rubra pilaris--familial type. Identifiers: Orphanet 2897, MedGen C0032027, MONDO:0100017, OMIM 173200, MONDO:0008251.
Psoriasis 2. Identifiers: MedGen C1864497, MONDO:0011269, OMIM 602723.
CARD14-related disorder. Also called: CARD14-related condition.
Autoinflammatory syndrome. Identifiers: Orphanet 93665, MedGen C3890737, MONDO:0019751.

Allele frequency attached by ClinVar (database versions not stated): ExAC 0.00027; gnomAD exomes 0.00031; ESP Exome Variant Server 0.00038; TOPMed 0.00041.
gnomAD v4.1: 600 of 1,605,246 alleles (0.037%); highest among the groups gnomAD compares: Admixed American, 0.093%; 1 homozygote.

Submissions (5):

CeGaT Center for Human Genetics Tuebingen
Classification: Likely benign. Last evaluated: 2026-08-01. Review status: criteria provided, single submitter. Criteria: CeGaT Center For Human Genetics Tuebingen Variant Classification Criteria Version 2. Collection method: clinical testing. Allele origin: germline. Affected: yes. Observed: 1 variant allele.
Comment: CARD14: BP4

Labcorp Genetics (formerly Invitae), Labcorp
Classification: Uncertain significance for Pityriasis rubra pilaris; Psoriasis 2. Last evaluated: 2026-01-04. Review status: criteria provided, single submitter. Criteria: Invitae Variant Classification Sherloc (09022015). Collection method: clinical testing. Allele origin: germline.
Comment: This sequence change falls in intron 9 of the CARD14 gene. It does not directly change the encoded amino acid sequence of the CARD14 protein. It affects a nucleotide within the consensus splice site. This variant is present in population databases (rs373428751, gnomAD 0.07%), and has an allele count higher than expected for a pathogenic variant. This variant has been observed in individual(s) with generalized pustular psoriasis (PMID: 30387497). ClinVar contains an entry for this variant (Variation ID: 527885). Variants that disrupt the consensus splice site are a relatively common cause of aberrant splicing (PMID: 17576681, 9536098). Algorithms developed to predict the effect of sequence changes on RNA splicing suggest that this variant is not likely to affect RNA splicing. In summary, the available evidence is currently insufficient to determine the role of this variant in disease. Therefore, it has been classified as a Variant of Uncertain Significance.

Blueprint Genetics
Classification: Likely benign. Last evaluated: 2024-09-10. Review status: criteria provided, single submitter. Criteria: ACMG Guidelines, 2015. Collection method: clinical testing. Allele origin: germline.

Genome Diagnostics Laboratory, The Hospital for Sick Children
Classification: Likely benign for Autoinflammatory syndrome. Last evaluated: 2021-04-12. Review status: criteria provided, single submitter. Criteria: ACMG Guidelines, 2015. Collection method: clinical testing. Allele origin: germline. Affected: yes.

PreventionGenetics, part of Exact Sciences
Classification: Likely benign for CARD14-related condition. Last evaluated: 2019-07-02. Review status: no assertion criteria provided. Collection method: clinical testing. Allele origin: germline. Not counted in ClinVar's aggregate classification.
Comment: This variant is classified as likely benign based on ACMG/AMP sequence variant interpretation guidelines (Richards et al. 2015 PMID: 25741868, with internal and published modifications).

Literature cited by the submitters: PubMed 30387497 (cited by Labcorp Genetics (formerly Invitae), Labcorp); PubMed 17576681 (cited by Labcorp Genetics (formerly Invitae), Labcorp); PubMed 9536098 (cited by Labcorp Genetics (formerly Invitae), Labcorp).